The following is an entry in ClinVar:

NM_007373.4(SHOC2):c.1208G>C (p.Ser403Thr)

Gene: SHOC2 (SHOC2 leucine rich repeat scaffold protein; plus strand). Cytogenetic location: 10q25.2.
Variant type: single nucleotide variant.
Coding change: c.1208G>C on transcript NM_007373.4 (MANE Select); coding-DNA position 1208, G replaced by C.
Protein change: p.Ser403Thr; replaces serine 403 with threonine.
Molecular consequence: missense variant. On other transcripts: non-coding transcript variant (1).
Genome position (GRCh38, 1-based): chr10:111,007,577, G>C. VCF-style: chr10-111007577-G-C. GRCh37 (hg19) VCF-style: chr10-112767335-G-C.
Other names: c.1070G>C, p.Ser357Thr (NM_001269039.3); c.1208G>C, p.Ser403Thr (NM_001324336.2, NM_001324337.2); short protein forms S357T, S403T.
Identifiers: ClinVar variation 1491244 (VCV001491244.8), dbSNP rs1487427017, ClinGen allele CA378523406.

ClinVar aggregate classification (germline): Uncertain significance (1 of 4 stars; one submission).

Conditions:
RASopathy. Also called: Noonan spectrum disorder; rasopathies. Identifiers: Orphanet 536391, MedGen C5555857, MONDO:0021060.

Submission:

Labcorp Genetics (formerly Invitae), Labcorp
Classification: Uncertain significance for RASopathy. Last evaluated: 2021-02-19. Review status: criteria provided, single submitter. Criteria: Invitae Variant Classification Sherloc (09022015). Collection method: clinical testing. Allele origin: germline.
Comment: In summary, the available evidence is currently insufficient to determine the role of this variant in disease. Therefore, it has been classified as a Variant of Uncertain Significance. Algorithms developed to predict the effect of missense changes on protein structure and function (SIFT, PolyPhen-2, Align-GVGD) all suggest that this variant is likely to be tolerated, but these predictions have not been confirmed by published functional studies and their clinical significance is uncertain. This variant has not been reported in the literature in individuals with SHOC2-related conditions. This variant is not present in population databases (ExAC no frequency). This sequence change replaces serine with threonine at codon 403 of the SHOC2 protein (p.Ser403Thr). The serine residue is highly conserved and there is a small physicochemical difference between serine and threonine.